The following is an entry in ClinVar:

ClinVar aggregate classification (germline): Uncertain significance (1 of 4 stars; one submission).

Allele frequency attached by ClinVar (database versions not stated): gnomAD 0.00001; gnomAD exomes 0.00001; TOPMed 0.00001.
gnomAD v4.1: 25 of 1,613,968 alleles (0.0015%); highest among the groups gnomAD compares: African/African-American, 0.004%; no homozygotes.

Submission:

Labcorp Genetics (formerly Invitae), Labcorp
Classification: Uncertain significance. Last evaluated: 2023-06-18. Review status: criteria provided, single submitter. Criteria: Invitae Variant Classification Sherloc (09022015). Collection method: clinical testing. Allele origin: germline.
Comment: In summary, the available evidence is currently insufficient to determine the role of this variant in disease. Therefore, it has been classified as a Variant of Uncertain Significance. Advanced modeling of protein sequence and biophysical properties (such as structural, functional, and spatial information, amino acid conservation, physicochemical variation, residue mobility, and thermodynamic stability) performed at Invitae indicates that this missense variant is not expected to disrupt TUBA8 protein function. ClinVar contains an entry for this variant (Variation ID: 1400356). This variant has not been reported in the literature in individuals affected with TUBA8-related conditions. This variant is present in population databases (no rsID available, gnomAD 0.003%). This sequence change replaces arginine, which is basic and polar, with histidine, which is basic and polar, at codon 214 of the TUBA8 protein (p.Arg214His).

NM_018943.3(TUBA8):c.641G>A (p.Arg214His)

Gene: TUBA8 (tubulin alpha 8; plus strand). Cytogenetic location: 22q11.21.
Variant type: single nucleotide variant.
Coding change: c.641G>A on transcript NM_018943.3 (MANE Select); coding-DNA position 641, G replaced by A.
Protein change: p.Arg214His; replaces arginine 214 with histidine.
Molecular consequence: missense variant.
Genome position (GRCh38, 1-based): chr22:18,126,619, G>A. VCF-style: chr22-18126619-G-A. GRCh37 (hg19) VCF-style: chr22-18609386-G-A.
Other names: c.443G>A, p.Arg148His (NM_001193414.2); short protein forms R148H, R214H.
Identifiers: ClinVar variation 1400356 (VCV001400356.6), dbSNP rs984311852, ClinGen allele CA321283925.